The following is an entry in ClinVar:

ClinVar aggregate classification (germline): Uncertain significance. Review status: criteria provided, multiple submitters, no conflicts (2 of 4 stars). 2 submissions from 2 submitters: Uncertain significance (2). Last evaluated 2026-01-28.

Allele frequency attached by ClinVar (database versions not stated): gnomAD exomes below 0.00001; ExAC 0.00001; TOPMed 0.00002; gnomAD 0.00003.
gnomAD v4.1: 9 of 1,585,000 alleles (0.00057%); highest among the groups gnomAD compares: African/African-American, 0.0096%; no homozygotes.

Submissions (2):

Labcorp Genetics (formerly Invitae), Labcorp
Classification: Uncertain significance. Last evaluated: 2026-01-28. Review status: criteria provided, single submitter. Criteria: Invitae Variant Classification Sherloc (09022015). Collection method: clinical testing. Allele origin: germline.
Comment: This sequence change replaces methionine, which is neutral and non-polar, with threonine, which is neutral and polar, at codon 695 of the MYLK3 protein (p.Met695Thr). The frequency data for this variant in the population databases is considered unreliable, as metrics indicate poor data quality at this position in the gnomAD database. This variant has not been reported in the literature in individuals affected with MYLK3-related conditions. ClinVar contains an entry for this variant (Variation ID: 1941131). An algorithm developed to predict the effect of missense changes on protein structure and function (PolyPhen-2) suggests that this variant is likely to be disruptive. In summary, the available evidence is currently insufficient to determine the role of this variant in disease. Therefore, it has been classified as a Variant of Uncertain Significance.

Ambry Genetics
Classification: Uncertain significance. Last evaluated: 2025-08-12. Review status: criteria provided, single submitter. Criteria: Ambry Variant Classification Scheme 2023. Collection method: clinical testing. Allele origin: germline.

NM_182493.3(MYLK3):c.2084T>C (p.Met695Thr)

Gene: MYLK3 (myosin light chain kinase 3; minus strand). Cytogenetic location: 16q11.2.
Variant type: single nucleotide variant.
Coding change: c.2084T>C on transcript NM_182493.3 (MANE Select); coding-DNA position 2084, T replaced by C.
Protein change: p.Met695Thr; replaces methionine 695 with threonine.
Molecular consequence: missense variant.
Genome position (GRCh38, 1-based): chr16:46,712,678, A>G on the plus strand (T>C on the coding strand, the complement: MYLK3 is on the minus strand). VCF-style: chr16-46712678-A-G. GRCh37 (hg19) VCF-style: chr16-46746590-A-G.
Other names: c.1061T>C, p.Met354Thr (NM_001308301.1); c.2084T>C (NM_182493.2); short protein forms M354T, M695T.
Identifiers: ClinVar variation 1941131 (VCV001941131.6), dbSNP rs762013654, ClinGen allele CA8037746.